The following is an entry in ClinVar:

NM_002485.5(NBN):c.928A>C (p.Ile310Leu)

Gene: NBN (nibrin; minus strand). Cytogenetic location: 8q21.3.
Variant type: single nucleotide variant.
Coding change: c.928A>C on transcript NM_002485.5 (MANE Select); coding-DNA position 928, A replaced by C.
Protein change: p.Ile310Leu; replaces isoleucine 310 with leucine.
Molecular consequence: missense variant.
Genome position (GRCh38, 1-based): chr8:89,964,476, T>G on the plus strand (A>C on the coding strand, the complement: NBN is on the minus strand). VCF-style: chr8-89964476-T-G. GRCh37 (hg19) VCF-style: chr8-90976704-T-G.
Other names: c.682A>C, p.Ile228Leu (NM_001024688.3); short protein forms I228L, I310L.
Identifiers: ClinVar variation 823141 (VCV000823141.4), dbSNP rs1586076147, ClinGen allele CA371657054.
Genomic context (GRCh38, chr8:89,964,476, plus strand): 5'-TGGGATGGCCCTGAGGATCACAGTAATTCTTTGTAGTCATGAAAATCACCGCCAATCCAA[T>G]TTCTGCTTCAGGAATAGGTCTAAGACCTTGCCTATTAGAATAAAATAGTTTAAGTATGAT-3'
Protein context (NP_002476.2, residues 300-320): QGLRPIPEAE[Ile310Leu]GLAVIFMTTK

ClinVar aggregate classification (germline): Uncertain significance (1 of 4 stars; one submission).

Conditions:
Hereditary cancer-predisposing syndrome. Also called: Tumor predisposition; Hereditary Cancer Syndrome; Neoplastic Syndromes, Hereditary; Hereditary neoplastic syndrome. Identifiers: Orphanet 140162, MedGen C0027672, MeSH D009386, MONDO:0015356.

Submission:

Ambry Genetics
Classification: Uncertain significance for Hereditary cancer-predisposing syndrome. Last evaluated: 2018-12-19. Review status: criteria provided, single submitter. Criteria: Ambry Variant Classification Scheme 2023. Collection method: clinical testing. Allele origin: germline.
Comment: The p.I310L variant (also known as c.928A>C), located in coding exon 8 of the NBN gene, results from an A to C substitution at nucleotide position 928. The isoleucine at codon 310 is replaced by leucine, an amino acid with highly similar properties. This amino acid position is highly conserved in available vertebrate species. In addition, this alteration is predicted to be tolerated by in silico analysis. Since supporting evidence is limited at this time, the clinical significance of this alteration remains unclear.